The following is an entry in ClinVar:

ClinVar aggregate classification (germline): Benign/Likely benign. Review status: criteria provided, multiple submitters, no conflicts (2 of 4 stars). 2 submissions from 2 submitters: Benign (1); Likely benign (1). Last evaluated 2024-11-08.

Conditions:
Renal cell carcinoma. Identifiers: Orphanet 217071, MedGen C0007134, MeSH D002292, MONDO:0005086, HP:0005584.
Papillary renal cell carcinoma type 1 (RCCP1). Also called: Renal adenocarcinoma; Renal cell carcinoma 1; Renal cell carcinoma, somatic; RENAL CELL CARCINOMA, PAPILLARY, 1, SOMATIC. Identifiers: Orphanet 47044, MedGen C1336839, OMIM 605074, HP:0011797.

Submissions (2):

Myriad Genetics, Inc.
Classification: Benign for Papillary renal cell carcinoma type 1. Last evaluated: 2024-11-08. Review status: criteria provided, single submitter. Criteria: Myriad Autosomal Dominant, Autosomal Recessive and X-Linked Classification Criteria (2023). Collection method: clinical testing. Allele origin: unknown.
Comment: This variant is considered benign. This variant is a silent/synonymous amino acid change and it is not expected to impact splicing.

Labcorp Genetics (formerly Invitae), Labcorp
Classification: Likely benign for Renal cell carcinoma. Last evaluated: 2023-08-07. Review status: criteria provided, single submitter. Criteria: Invitae Variant Classification Sherloc (09022015). Collection method: clinical testing. Allele origin: germline.

NM_000245.4(MET):c.2163T>A (p.Ala721=)

Gene: MET (MET proto-oncogene, receptor tyrosine kinase; plus strand). Cytogenetic location: 7q31.2.
Variant type: single nucleotide variant.
Coding change: c.2163T>A on transcript NM_000245.4 (MANE Select); coding-DNA position 2163, T replaced by A.
Protein change: p.Ala721=; no amino-acid change (alanine 721 retained).
Molecular consequence: synonymous variant.
Genome position (GRCh38, 1-based): chr7:116,758,519, T>A. VCF-style: chr7-116758519-T-A. GRCh37 (hg19) VCF-style: chr7-116398573-T-A.
Other names: c.2163T>A, p.Ala721= (NM_001127500.3, NM_001324401.3); c.873T>A, p.Ala291= (NM_001324402.2).
Identifiers: ClinVar variation 1086801 (VCV001086801.10), dbSNP rs2116931078, ClinGen allele CA457216687.